The following is an entry in ClinVar:

NM_000393.5(COL5A2):c.1244C>T (p.Ser415Phe)

Gene: COL5A2 (collagen type V alpha 2 chain; minus strand). Cytogenetic location: 2q32.2.
Variant type: single nucleotide variant.
Coding change: c.1244C>T on transcript NM_000393.5 (MANE Select); coding-DNA position 1244, C replaced by T.
Protein change: p.Ser415Phe; replaces serine 415 with phenylalanine.
Molecular consequence: missense variant.
Genome position (GRCh38, 1-based): chr2:189,068,799, G>A on the plus strand (C>T on the coding strand, the complement: COL5A2 is on the minus strand). VCF-style: chr2-189068799-G-A. GRCh37 (hg19) VCF-style: chr2-189933525-G-A.
Other names: short protein forms S415F.
Identifiers: ClinVar variation 2799542 (VCV002799542.3), dbSNP rs868256946, ClinGen allele CA62556984.

ClinVar aggregate classification (germline): Uncertain significance (1 of 4 stars; one submission).

Conditions:
Ehlers-Danlos syndrome, classic type, 1 (EDSCL1). Also called: EHLERS-DANLOS SYNDROME, GRAVIS TYPE; EHLERS-DANLOS SYNDROME, SEVERE CLASSIC TYPE; Ehlers-Danlos syndrome, type 1; Ehlers-Danlos Syndrome, Classic Type, COL5A1-Related; EDS I. Identifiers: MedGen C0268335, MONDO:0019567, OMIM 130000.

gnomAD v4.1: 2 of 1,612,786 alleles (0.00012%); highest among the groups gnomAD compares: Non-Finnish European, 0.000085%; no homozygotes.

Submission:

Labcorp Genetics (formerly Invitae), Labcorp
Classification: Uncertain significance for Ehlers-Danlos syndrome, classic type, 1. Last evaluated: 2025-07-30. Review status: criteria provided, single submitter. Criteria: Invitae Variant Classification Sherloc (09022015). Collection method: clinical testing. Allele origin: germline.
Comment: This sequence change replaces serine, which is neutral and polar, with phenylalanine, which is neutral and non-polar, at codon 415 of the COL5A2 protein (p.Ser415Phe). This variant is not present in population databases (gnomAD no frequency). This variant has not been reported in the literature in individuals affected with COL5A2-related conditions. ClinVar contains an entry for this variant (Variation ID: 2799542). Invitae Evidence Modeling of protein sequence and biophysical properties (such as structural, functional, and spatial information, amino acid conservation, physicochemical variation, residue mobility, and thermodynamic stability) indicates that this missense variant is not expected to disrupt COL5A2 protein function with a negative predictive value of 80%. In summary, the available evidence is currently insufficient to determine the role of this variant in disease. Therefore, it has been classified as a Variant of Uncertain Significance.